The following is an entry in ClinVar:

NM_014822.4(SEC24D):c.673+2T>G

Gene: SEC24D (SEC24 homolog D, COPII component; minus strand). Cytogenetic location: 4q26.
Variant type: single nucleotide variant.
Coding change: c.673+2T>G on transcript NM_014822.4 (MANE Select); the canonical splice donor site of the intron after coding-DNA position 673, T replaced by G.
Molecular consequence: splice donor variant.
Genome position (GRCh38, 1-based): chr4:118,815,449, A>C on the plus strand (T>G on the coding strand, the complement: SEC24D is on the minus strand). VCF-style: chr4-118815449-A-C. GRCh37 (hg19) VCF-style: chr4-119736604-A-C.
Other names: c.673+2T>G (NM_001318066.2).
Identifiers: ClinVar variation 1347994 (VCV001347994.6), dbSNP rs1730099972, ClinGen allele CA358015352.

ClinVar aggregate classification (germline): Likely pathogenic (1 of 4 stars; one submission).

Allele frequency attached by ClinVar (database versions not stated): gnomAD exomes below 0.00001.
gnomAD v4.1: 2 of 1,613,854 alleles (0.00012%); highest among the groups gnomAD compares: South Asian, 0.0011%; no homozygotes.

Submission:

Labcorp Genetics (formerly Invitae), Labcorp
Classification: Likely pathogenic. Last evaluated: 2025-06-09. Review status: criteria provided, single submitter. Criteria: Invitae Variant Classification Sherloc (09022015). Collection method: clinical testing. Allele origin: germline.
Comment: This sequence change affects a donor splice site in intron 5 of the SEC24D gene. It is expected to disrupt RNA splicing. Variants that disrupt the donor or acceptor splice site typically lead to a loss of protein function (PMID: 16199547), and loss-of-function variants in SEC24D are known to be pathogenic (PMID: 25683121, 30462379). This variant is not present in population databases (gnomAD no frequency). This variant has not been reported in the literature in individuals affected with SEC24D-related conditions. ClinVar contains an entry for this variant (Variation ID: 1347994). Algorithms developed to predict the effect of sequence changes on RNA splicing suggest that this variant may disrupt the consensus splice site. In summary, the currently available evidence indicates that the variant is pathogenic, but additional data are needed to prove that conclusively. Therefore, this variant has been classified as Likely Pathogenic.

Literature cited by the submitters: PubMed 16199547; PubMed 25683121; PubMed 30462379.